The following is an entry in ClinVar:

NM_000143.4(FH):c.163G>A (p.Asp55Asn)

Gene: FH (fumarate hydratase; minus strand). Cytogenetic location: 1q43.
Variant type: single nucleotide variant.
Coding change: c.163G>A on transcript NM_000143.4 (MANE Select); coding-DNA position 163, G replaced by A.
Protein change: p.Asp55Asn; replaces aspartic acid 55 with asparagine.
Molecular consequence: missense variant.
Genome position (GRCh38, 1-based): chr1:241,517,286, C>T on the plus strand (G>A on the coding strand, the complement: FH is on the minus strand). VCF-style: chr1-241517286-C-T. GRCh37 (hg19) VCF-style: chr1-241680586-C-T.
Other names: short protein forms D55N.
Identifiers: ClinVar variation 945438 (VCV000945438.1), dbSNP rs1660245455, ClinGen allele CA345441974.

ClinVar aggregate classification (germline): Uncertain significance (1 of 4 stars; one submission).

Conditions:
Fumarase deficiency (FMRD). Also called: Fumarate Hydratase Deficiency; Fumaric aciduria. Identifiers: Orphanet 24, MedGen C0342770, MONDO:0011730, OMIM 606812.

Submission:

Labcorp Genetics (formerly Invitae), Labcorp
Classification: Uncertain significance for Fumarase deficiency. Last evaluated: 2019-07-14. Review status: criteria provided, single submitter. Criteria: Invitae Variant Classification Sherloc (09022015). Collection method: clinical testing. Allele origin: germline.
Comment: This sequence change replaces aspartic acid with asparagine at codon 55 of the FH protein (p.Asp55Asn). The aspartic acid residue is highly conserved and there is a small physicochemical difference between aspartic acid and asparagine. This variant is not present in population databases (ExAC no frequency). This variant has not been reported in the literature in individuals with FH-related conditions. Algorithms developed to predict the effect of missense changes on protein structure and function are either unavailable or do not agree on the potential impact of this missense change (SIFT: "Deleterious"; PolyPhen-2: "Probably Damaging"; Align-GVGD: "Class C15"). In summary, the available evidence is currently insufficient to determine the role of this variant in disease. Therefore, it has been classified as a Variant of Uncertain Significance.